The following is an entry in ClinVar:

NM_000497.4(CYP11B1):c.793C>T (p.Gln265Ter)

Genes: CYP11B1 (cytochrome P450 family 11 subfamily B member 1; minus strand), LOC106799833 (CYP11B1 recombination region; plus strand). Cytogenetic location: 8q24.3.
Variant type: single nucleotide variant.
Coding change: c.793C>T on transcript NM_000497.4 (MANE Select); coding-DNA position 793, C replaced by T.
Protein change: p.Gln265Ter; replaces glutamine 265 with a stop codon.
Molecular consequence: nonsense.
Genome position (GRCh38, 1-based): chr8:142,876,688, G>A on the plus strand (C>T on the coding strand, the complement: CYP11B1 is on the minus strand). VCF-style: chr8-142876688-G-A. GRCh37 (hg19) VCF-style: chr8-143958104-G-A.
Other names: c.793C>T, p.Gln265Ter (NM_001026213.1); short protein forms Q265*.
Identifiers: ClinVar variation 1412083 (VCV001412083.9), dbSNP rs2130274854, ClinGen allele CA372395385.
Genomic context (GRCh38, chr8:142,876,688, plus strand): 5'-TTGGGCCCCCATGGTGTCCCTTCCCCATAGCACTGCCCGGGTCCCTGGCCTCACCGTACT[G>A]GAAGATGCAGTCCCAGGCCTCAAAGTGCTCCTTCCACACCTTGGGGCTGGTCCAGCGAGA-3'

ClinVar aggregate classification (germline): Pathogenic. Review status: criteria provided, multiple submitters, no conflicts (2 of 4 stars). 2 submissions from 2 submitters: Pathogenic (2). Last evaluated 2022-01-19.

Conditions:
Deficiency of steroid 11-beta-monooxygenase (CYP11B1). Also called: P450C11B1 DEFICIENCY; STEROID 11-BETA-HYDROXYLASE DEFICIENCY; 11-BETA-HYDROXYLASE DEFICIENCY; Congenital adrenal hyperplasia due to 11-beta-hydroxylase deficiency; ADRENAL HYPERPLASIA IV; ADRENAL HYPERPLASIA, CONGENITAL, DUE TO STEROID 11-BETA-HYDROXYLASE DEFICIENCY. Identifiers: Orphanet 90795, MedGen C0268292, MONDO:0008729, OMIM 202010. Disease mechanism: loss of function.

Allele frequency attached by ClinVar (database versions not stated): gnomAD exomes below 0.00001.
gnomAD v4.1: 1 of 1,610,824 alleles (0.000062%); highest among the groups gnomAD compares: Non-Finnish European, 0.000085%; no homozygotes.

Submissions (2):

Baylor Genetics
Classification: Pathogenic for Deficiency of steroid 11-beta-monooxygenase. Last evaluated: 2022-01-19. Review status: criteria provided, single submitter. Criteria: ACMG Guidelines, 2015. Collection method: clinical testing. Allele origin: unknown.

Labcorp Genetics (formerly Invitae), Labcorp
Classification: Pathogenic. Last evaluated: 2021-03-29. Review status: criteria provided, single submitter. Criteria: Invitae Variant Classification Sherloc (09022015). Collection method: clinical testing. Allele origin: germline.
Comment: This sequence change creates a premature translational stop signal (p.Gln265*) in the CYP11B1 gene. It is expected to result in an absent or disrupted protein product. Loss-of-function variants in CYP11B1 are known to be pathogenic (PMID: 8506298, 26476331). This variant is not present in population databases (ExAC no frequency). This variant has been observed in individual(s) with 11-beta-hydroxylase deficiency (PMID: 14682466). For these reasons, this variant has been classified as Pathogenic.

Literature cited by the submitters: PubMed 8506298 (cited by Labcorp Genetics (formerly Invitae), Labcorp); PubMed 26476331 (cited by Labcorp Genetics (formerly Invitae), Labcorp); PubMed 14682466 (cited by Labcorp Genetics (formerly Invitae), Labcorp).